The following is an entry in ClinVar:

NM_138694.4(PKHD1):c.711_714del (p.Met238fs)

Gene: PKHD1 (PKHD1 ciliary IPT domain containing fibrocystin/polyductin; minus strand). Cytogenetic location: 6p12.2.
Variant type: Deletion.
Coding change: c.711_714del on transcript NM_138694.4 (MANE Select); coding-DNA positions 711 to 714, 4 bases deleted (AATG; older notation c.711_714delAATG).
Protein change: p.Met238fs; shifts the reading frame from methionine 238.
Molecular consequence: frameshift variant.
Genome position (GRCh38, 1-based): chr6:52,069,521-52,069,524, CATT deleted on the plus strand (AATG on the coding strand, the reverse complement: PKHD1 is on the minus strand). VCF-style (leftmost placement, unchanged base first): chr6-52069520-CCATT-C. GRCh37 (hg19) VCF-style: chr6-51934318-CCATT-C.
Other names: c.711_714del (NM_170724.2, NM_138694.3); c.711_714del, p.Met238fs (NM_170724.3); short protein forms M238fs.
Identifiers: ClinVar variation 188960 (VCV000188960.27), dbSNP rs786204588, ClinGen allele CA274187.

ClinVar aggregate classification (germline): Pathogenic. Review status: criteria provided, multiple submitters, no conflicts (2 of 4 stars). 6 submissions from 6 submitters: Pathogenic (5). 1 of the submissions does not count toward it. Last evaluated 2025-10-03.

Conditions:
Polycystic kidney disease 4 (PKD4). Also called: POLYCYSTIC KIDNEY DISEASE 4 WITH OR WITHOUT POLYCYSTIC LIVER DISEASE; PKD3; Autosomal Recessive Polycystic Kidney Disease – PKHD1; POLYCYSTIC KIDNEY AND HEPATIC DISEASE 1; POLYCYSTIC KIDNEY DISEASE, INFANTILE, TYPE I. Identifiers: MedGen C4540575, MONDO:0033004, OMIM 263200.
Autosomal recessive polycystic kidney disease (ARPKD). Also called: AR polycystic kidney disease. Identifiers: Orphanet 731, Orphanet 8378, MedGen C0085548, MeSH D017044, MONDO:0009889.

Allele frequency attached by ClinVar (database versions not stated): gnomAD exomes 0.00001 and 0.00002; TOPMed 0.00002.

Submissions (6):

Natera, Inc.
Classification: Pathogenic for Autosomal recessive polycystic kidney disease. Last evaluated: 2025-10-03. Review status: criteria provided, single submitter. Criteria: Natera Variant Classification Schema (03/2026). Collection method: clinical testing. Allele origin: germline.
Comment: The c.711_714delAATG variant in PKHD1 is a frameshift variant predicted to shift the reading frame beginning at codon 238 and leads to a stop codon 7 codons downstream. This variant is expected to result in nonsense mediated decay, truncation, or a dysfunctional protein product. This variant is rare in the general population with a frequency below the threshold expected for the associated phenotype(s). This variant has been observed in one or more individuals affected with the associated recessive disease, as either homozygous or compound heterozygous with a second variant (PMID: 11898128). Given the available evidence, this variant is classified as Pathogenic.

Labcorp Genetics (formerly Invitae), Labcorp
Classification: Pathogenic for Autosomal recessive polycystic kidney disease. Last evaluated: 2024-01-16. Review status: criteria provided, single submitter. Criteria: Invitae Variant Classification Sherloc (09022015). Collection method: clinical testing. Allele origin: germline.
Comment: This sequence change creates a premature translational stop signal (p.Met238Serfs*7) in the PKHD1 gene. It is expected to result in an absent or disrupted protein product. Loss-of-function variants in PKHD1 are known to be pathogenic (PMID: 19940839). This variant is present in population databases (rs786204588, gnomAD 0.002%). This premature translational stop signal has been observed in individuals with autosomal recessive polycystic kidney disease (PMID: 11898128, 15805161, 19940839). ClinVar contains an entry for this variant (Variation ID: 188960). For these reasons, this variant has been classified as Pathogenic.

Women's Health and Genetics/Laboratory Corporation of America, LabCorp
Classification: Pathogenic for Autosomal recessive polycystic kidney disease. Last evaluated: 2019-12-22. Review status: criteria provided, single submitter. Criteria: LabCorp Variant Classification Summary - May 2015. Collection method: clinical testing. Allele origin: germline.
Comment: Variant summary: PKHD1 c.711_714delAATG (p.Met238SerfsX7) results in a premature termination codon, predicted to cause a truncation of the encoded protein or absence of the protein due to nonsense mediated decay, which are commonly known mechanisms for disease. Truncations downstream of this position have been classified as pathogenic by our laboratory. The variant allele was found at a frequency of 8e-06 in 251376 control chromosomes. c.711_714delAATG has been reported in the literature in individuals affected with Polycystic Kidney and Hepatic Disease (example, Onuchic_2002, Denamur_2010 and Sharp_2005). These data indicate that the variant may be associated with disease. To our knowledge, no experimental evidence demonstrating an impact on protein function has been reported. Two clinical diagnostic laboratories have submitted clinical-significance assessments for this variant to ClinVar after 2014 without evidence for independent evaluation. Both laboratories classified the variant as pathogenic. Based on the evidence outlined above, the variant was classified as pathogenic.

Eurofins Ntd Llc (ga)
Classification: Pathogenic. Last evaluated: 2016-03-24. Review status: criteria provided, single submitter. Criteria: EGL Classification Definitions 2015. Collection method: clinical testing. Allele origin: germline. Observed: 1 variant allele, 1 heterozygote.

Baylor Genetics
Classification: Pathogenic for Polycystic kidney disease 4. Review status: criteria provided, single submitter. Criteria: ACMG Guidelines, 2015. Collection method: clinical testing. Allele origin: germline.

Counsyl
Classification: Pathogenic for Polycystic kidney disease 4. Last evaluated: 2018-03-05. Review status: no assertion criteria provided. Collection method: clinical testing. Allele origin: unknown. Not counted in ClinVar's aggregate classification.

Literature cited by the submitters: PubMed 11898128 (cited by 4 submitters); PubMed 19940839 (cited by 3 submitters); PubMed 15805161 (cited by 3 submitters).